The following is an entry in ClinVar:

NM_024652.6(LRRK1):c.1248G>T (p.Leu416=)

Gene: LRRK1 (leucine rich repeat kinase 1; plus strand). Cytogenetic location: 15q26.3.
Variant type: single nucleotide variant.
Coding change: c.1248G>T on transcript NM_024652.6 (MANE Select); coding-DNA position 1248, G replaced by T.
Protein change: p.Leu416=; no amino-acid change (leucine 416 retained).
Molecular consequence: synonymous variant.
Genome position (GRCh38, 1-based): chr15:101,010,804, G>T. VCF-style: chr15-101010804-G-T. GRCh37 (hg19) VCF-style: chr15-101551009-G-T.
Identifiers: ClinVar variation 3044068 (VCV003044068.2), dbSNP rs2505349771, ClinGen allele CA492419504.

ClinVar aggregate classification (germline): Likely benign (0 of 4 stars; one submission).

Conditions:
LRRK1-related disorder. Also called: LRRK1-related condition.

Submission:

PreventionGenetics, part of Exact Sciences
Classification: Likely benign for LRRK1-related condition. Last evaluated: 2019-05-28. Review status: no assertion criteria provided. Collection method: clinical testing. Allele origin: germline.
Comment: This variant is classified as likely benign based on ACMG/AMP sequence variant interpretation guidelines (Richards et al. 2015 PMID: 25741868, with internal and published modifications).